The following is an entry in ClinVar:

ClinVar aggregate classification (germline): Uncertain significance (1 of 4 stars; one submission).

Submission:

Women's Health and Genetics/Laboratory Corporation of America, LabCorp
Classification: Uncertain significance. Last evaluated: 2025-04-17. Review status: criteria provided, single submitter. Criteria: LabCorp Variant Classification Summary - May 2015. Collection method: clinical testing. Allele origin: germline.
Comment: Variant summary: TYR c.1171G>C (p.Ala391Pro) results in a non-conservative amino acid change in the encoded protein sequence. Five of five in-silico tools predict a damaging effect of the variant on protein function. The variant was absent in 251072 control chromosomes. The available data on variant occurrences in the general population are insufficient to allow any conclusion about variant significance. To our knowledge, no occurrence of c.1171G>C in individuals affected with Oculocutaneous Albinism and no experimental evidence demonstrating its impact on protein function have been reported. No submitters have cited clinical-significance assessments for this variant to ClinVar. Based on the evidence outlined above, the variant was classified as uncertain significance.

NM_000372.5(TYR):c.1171G>C (p.Ala391Pro)

Gene: TYR (tyrosinase; plus strand). Cytogenetic location: 11q14.3.
Variant type: single nucleotide variant.
Coding change: c.1171G>C on transcript NM_000372.5 (MANE Select); coding-DNA position 1171, G replaced by C.
Protein change: p.Ala391Pro; replaces alanine 391 with proline.
Molecular consequence: missense variant.
Genome position (GRCh38, 1-based): chr11:89,227,957, G>C. VCF-style: chr11-89227957-G-C. GRCh37 (hg19) VCF-style: chr11-88961125-G-C.
Other names: short protein forms A391P.
Identifiers: ClinVar variation 3896210 (VCV003896210.2).